The following is an entry in ClinVar:

ClinVar aggregate classification (germline): Uncertain significance. Review status: criteria provided, multiple submitters, no conflicts (2 of 4 stars). 2 submissions from 2 submitters: Uncertain significance (2). Last evaluated 2024-02-05.

Conditions:
Bone mineral density quantitative trait locus 1 (BMND1). Identifiers: MedGen C1866079, OMIM 601884.
Worth disease. Also called: ENDOSTEAL HYPEROSTOSIS, AUTOSOMAL DOMINANT; OSTEOSCLEROSIS, AUTOSOMAL DOMINANT; Autosomal dominant osteosclerosis, Worth type. Identifiers: Orphanet 2790, MedGen C0432273, MONDO:0007764, OMIM 144750.
Exudative vitreoretinopathy 4 (EVR4). Identifiers: Orphanet 891, MedGen C1866176, MONDO:0011151, OMIM 601813.
Polycystic liver disease 4 with or without kidney cysts. Identifiers: MedGen C4693479, MONDO:0044327, OMIM 617875.
Autosomal dominant osteopetrosis 1 (OPTA1). Also called: OSTEOPETROSIS, AUTOSOMAL DOMINANT, TYPE I. Identifiers: Orphanet 2783, MedGen C1843330, MONDO:0011877, OMIM 607634.
Osteoporosis with pseudoglioma (OPPG). Also called: osteoporosis-pseudoglioma syndrome. Identifiers: Orphanet 2788, MedGen C0432252, MONDO:0009820, OMIM 259770.

Allele frequency attached by ClinVar (database versions not stated): ExAC 0.00002; gnomAD 0.00005; TOPMed 0.00006; ESP Exome Variant Server 0.00008.
gnomAD v4.1: 22 of 1,613,494 alleles (0.0014%); highest among the groups gnomAD compares: African/African-American, 0.012%; no homozygotes.

Submissions (2):

Fulgent Genetics
Classification: Uncertain significance for Worth disease; Osteoporosis with pseudoglioma; Exudative vitreoretinopathy 4; Bone mineral density quantitative trait locus 1; Autosomal dominant osteopetrosis 1; Polycystic liver disease 4 with or without kidney cysts. Last evaluated: 2024-02-05. Review status: criteria provided, single submitter. Criteria: ACMG Guidelines, 2015. Collection method: clinical testing. Allele origin: germline.

Labcorp Genetics (formerly Invitae), Labcorp
Classification: Uncertain significance. Last evaluated: 2022-07-12. Review status: criteria provided, single submitter. Criteria: Invitae Variant Classification Sherloc (09022015). Collection method: clinical testing. Allele origin: germline.
Comment: In summary, the available evidence is currently insufficient to determine the role of this variant in disease. Therefore, it has been classified as a Variant of Uncertain Significance. This missense change has been observed in individual(s) with clinical features of familial exudative vitreoretinopathy (PMID: 30452590). This sequence change replaces arginine, which is basic and polar, with histidine, which is basic and polar, at codon 1179 of the LRP5 protein (p.Arg1179His). This variant is present in population databases (rs372697844, gnomAD 0.02%). ClinVar contains an entry for this variant (Variation ID: 1008865). Advanced modeling of protein sequence and biophysical properties (such as structural, functional, and spatial information, amino acid conservation, physicochemical variation, residue mobility, and thermodynamic stability) performed at Invitae indicates that this missense variant is expected to disrupt LRP5 protein function.

Literature cited by the submitters: PubMed 30452590 (cited by Labcorp Genetics (formerly Invitae), Labcorp).

NM_002335.4(LRP5):c.3536G>A (p.Arg1179His)

Gene: LRP5 (LDL receptor related protein 5; plus strand). Cytogenetic location: 11q13.2.
Variant type: single nucleotide variant.
Coding change: c.3536G>A on transcript NM_002335.4 (MANE Select); coding-DNA position 3536, G replaced by A.
Protein change: p.Arg1179His; replaces arginine 1179 with histidine.
Molecular consequence: missense variant.
Genome position (GRCh38, 1-based): chr11:68,426,086, G>A. VCF-style: chr11-68426086-G-A. GRCh37 (hg19) VCF-style: chr11-68193554-G-A.
Other names: c.1793G>A, p.Arg598His (NM_001291902.2); short protein forms R1179H, R598H.
Identifiers: ClinVar variation 1008865 (VCV001008865.9), dbSNP rs372697844, ClinGen allele CA6150023.